The following is an entry in ClinVar:

ClinVar aggregate classification (germline): Uncertain significance (1 of 4 stars; one submission).

Conditions:
Inborn genetic diseases. Identifiers: MedGen C0950123, MeSH D030342.

Submission:

Ambry Genetics
Classification: Uncertain significance for Inborn genetic diseases. Last evaluated: 2026-08-16. Review status: criteria provided, single submitter. Criteria: Ambry Variant Classification Scheme 2023. Collection method: clinical testing. Allele origin: germline.
Comment: The p.N74T variant (also known as c.221A>C), located in coding exon 1 of the ANKRD26 gene, results from an A to C substitution at nucleotide position 221. The asparagine at codon 74 is replaced by threonine, an amino acid with similar properties. This amino acid position is conserved. In addition, this alteration is predicted to be tolerated by in silico analysis. Based on the available evidence, the clinical significance of this variant remains unclear.

NM_014915.3(ANKRD26):c.221A>C (p.Asn74Thr)

Gene: ANKRD26 (ankyrin repeat domain 26; minus strand). Cytogenetic location: 10p12.1.
Variant type: single nucleotide variant.
Coding change: c.221A>C on transcript NM_014915.3 (MANE Select); coding-DNA position 221, A replaced by C.
Protein change: p.Asn74Thr; replaces asparagine 74 with threonine.
Molecular consequence: missense variant.
Genome position (GRCh38, 1-based): chr10:27,100,106, T>G on the plus strand (A>C on the coding strand, the complement: ANKRD26 is on the minus strand). VCF-style: chr10-27100106-T-G. GRCh37 (hg19) VCF-style: chr10-27389035-T-G.
Other names: c.221A>C, p.Asn74Thr (NM_001256053.2); short protein forms N74T.
Identifiers: ClinVar variation 5023559 (VCV005023559.1).